The following is an entry in ClinVar:

ClinVar aggregate classification (germline): Pathogenic (1 of 4 stars; one submission).

Submission:

Labcorp Genetics (formerly Invitae), Labcorp
Classification: Pathogenic. Last evaluated: 2025-06-23. Review status: criteria provided, single submitter. Criteria: Invitae Variant Classification Sherloc (09022015). Collection method: clinical testing. Allele origin: germline.
Comment: This sequence change creates a premature translational stop signal (p.Leu261*) in the HPS6 gene. While this is not anticipated to result in nonsense mediated decay, it is expected to disrupt the last 515 amino acid(s) of the HPS6 protein. This variant is not present in population databases (gnomAD no frequency). This variant has not been reported in the literature in individuals affected with HPS6-related conditions. This variant disrupts a region of the HPS6 protein in which other variant(s) (p.Gln680*) have been determined to be pathogenic (PMID: 27225848, 29054114, 31141302). This suggests that this is a clinically significant region of the protein, and that variants that disrupt it are likely to be disease-causing. For these reasons, this variant has been classified as Pathogenic.

Literature cited by the submitters: PubMed 27225848; PubMed 29054114; PubMed 31141302.

NM_024747.6(HPS6):c.782T>A (p.Leu261Ter)

Gene: HPS6 (HPS6 biogenesis of lysosomal organelles complex 2 subunit 3; plus strand). Cytogenetic location: 10q24.32.
Variant type: single nucleotide variant.
Coding change: c.782T>A on transcript NM_024747.6 (MANE Select); coding-DNA position 782, T replaced by A.
Protein change: p.Leu261Ter; replaces leucine 261 with a stop codon.
Molecular consequence: nonsense.
Genome position (GRCh38, 1-based): chr10:102,066,256, T>A. VCF-style: chr10-102066256-T-A. GRCh37 (hg19) VCF-style: chr10-103826013-T-A.
Other names: short protein forms L261*.
Identifiers: ClinVar variation 4721743 (VCV004721743.1).